The following is an entry in ClinVar:

ClinVar aggregate classification (germline): Uncertain significance (1 of 4 stars; one submission).

Conditions:
Familial cold autoinflammatory syndrome 3 (FCAS3). Also called: FAMILIAL ATYPICAL COLD URTICARIA; ANTIBODY DEFICIENCY AND IMMUNE DYSREGULATION, PLCG2-ASSOCIATED. Identifiers: Orphanet 300359, MedGen C3280914, MONDO:0013766, OMIM 614468.

Submission:

Labcorp Genetics (formerly Invitae), Labcorp
Classification: Uncertain significance for Familial cold autoinflammatory syndrome 3. Last evaluated: 2022-02-04. Review status: criteria provided, single submitter. Criteria: Invitae Variant Classification Sherloc (09022015). Collection method: clinical testing. Allele origin: germline.
Comment: In summary, the available evidence is currently insufficient to determine the role of this variant in disease. Therefore, it has been classified as a Variant of Uncertain Significance. Algorithms developed to predict the effect of missense changes on protein structure and function are either unavailable or do not agree on the potential impact of this missense change (SIFT: "Deleterious"; PolyPhen-2: "Benign"; Align-GVGD: "Class C25"). ClinVar contains an entry for this variant (Variation ID: 1053034). This variant has not been reported in the literature in individuals affected with PLCG2-related conditions. This variant is not present in population databases (gnomAD no frequency). This sequence change replaces serine, which is neutral and polar, with arginine, which is basic and polar, at codon 1110 of the PLCG2 protein (p.Ser1110Arg).

NM_002661.5(PLCG2):c.3330C>G (p.Ser1110Arg)

Gene: PLCG2 (phospholipase C gamma 2; plus strand). Cytogenetic location: 16q23.3.
Variant type: single nucleotide variant.
Coding change: c.3330C>G on transcript NM_002661.5 (MANE Select); coding-DNA position 3330, C replaced by G.
Protein change: p.Ser1110Arg; replaces serine 1110 with arginine.
Molecular consequence: missense variant.
Genome position (GRCh38, 1-based): chr16:81,939,908, C>G. VCF-style: chr16-81939908-C-G. GRCh37 (hg19) VCF-style: chr16-81973513-C-G.
Other names: short protein forms S1110R.
Identifiers: ClinVar variation 1053034 (VCV001053034.9), dbSNP rs2143736934, ClinGen allele CA396908210.